The following is an entry in ClinVar:

NM_014516.4(CNOT3):c.1168C>T (p.Pro390Ser)

Gene: CNOT3 (CCR4-NOT transcription complex subunit 3; plus strand). Cytogenetic location: 19q13.42.
Variant type: single nucleotide variant.
Coding change: c.1168C>T on transcript NM_014516.4 (MANE Select); coding-DNA position 1168, C replaced by T.
Protein change: p.Pro390Ser; replaces proline 390 with serine.
Molecular consequence: missense variant. On other transcripts: non-coding transcript variant (2).
Genome position (GRCh38, 1-based): chr19:54,148,421, C>T. VCF-style: chr19-54148421-C-T. GRCh37 (hg19) VCF-style: chr19-54652156-C-T.
Other names: c.1171C>T, p.Pro391Ser (NM_001440663.1, NM_001440653.1, NM_001440655.1 and 3 more transcripts); c.1168C>T, p.Pro390Ser (NM_001440664.1, NM_001440654.1, NM_001440656.1 and 1 more transcripts); c.625C>T, p.Pro209Ser (NM_001440659.1, NM_001440660.1); short protein forms P209S, P390S, P391S.
Identifiers: ClinVar variation 4873304 (VCV004873304.2).

ClinVar aggregate classification (germline): Uncertain significance (1 of 4 stars; one submission).

gnomAD v4.1: 3 of 1,562,440 alleles (0.00019%); highest among the groups gnomAD compares: Non-Finnish European, 0.000087%; no homozygotes.

Submission:

CeGaT Center for Human Genetics Tuebingen
Classification: Uncertain significance. Last evaluated: 2026-04-01. Review status: criteria provided, single submitter. Criteria: CeGaT Center For Human Genetics Tuebingen Variant Classification Criteria Version 2. Collection method: clinical testing. Allele origin: germline. Affected: yes. Observed: 1 variant allele.
Comment: CNOT3: PM2